The following is an entry in ClinVar:

NM_003172.4(SURF1):c.516-1G>C

Gene: SURF1 (SURF1 cytochrome c oxidase assembly factor; minus strand). Cytogenetic location: 9q34.2.
Variant type: single nucleotide variant.
Coding change: c.516-1G>C on transcript NM_003172.4 (MANE Select); the canonical splice acceptor site of the intron before coding-DNA position 516, G replaced by C.
Molecular consequence: splice acceptor variant.
Genome position (GRCh38, 1-based): chr9:133,352,767, C>G on the plus strand (G>C on the coding strand, the complement: SURF1 is on the minus strand). VCF-style: chr9-133352767-C-G. GRCh37 (hg19) VCF-style: chr9-136219622-C-G.
Other names: c.189-1G>C (NM_001280787.1).
Identifiers: ClinVar variation 4811728 (VCV004811728.1).

ClinVar aggregate classification (germline): Likely pathogenic (1 of 4 stars; one submission).

Conditions:
Leigh syndrome (NULS). Also called: Leigh Disease; Subacute necrotizing encephalopathy; Necrotizing encephalopathy infantile subacute of Leigh; LEIGH SYNDROME, NUCLEAR; Leigh's syndrome; Leigh's necrotizing encephalopathy. Identifiers: Orphanet 506, MedGen C2931891, MONDO:0009723, OMIM 256000.

Submission:

Labcorp Genetics (formerly Invitae), Labcorp
Classification: Likely pathogenic for Leigh syndrome. Last evaluated: 2025-02-04. Review status: criteria provided, single submitter. Criteria: Invitae Variant Classification Sherloc (09022015). Collection method: clinical testing. Allele origin: germline.
Comment: This sequence change affects an acceptor splice site in intron 5 of the SURF1 gene. It is expected to disrupt RNA splicing. Variants that disrupt the donor or acceptor splice site typically lead to a loss of protein function (PMID: 16199547), and loss-of-function variants in SURF1 are known to be pathogenic (PMID: 10443880, 22488715, 24027061). This variant is not present in population databases (gnomAD no frequency). Disruption of this splice site has been observed in individual(s) with SURF1-related conditions (PMID: 36964972). This variant is also known as c.189-1G>C. Algorithms developed to predict the effect of sequence changes on RNA splicing suggest that this variant may disrupt the consensus splice site. In summary, the currently available evidence indicates that the variant is pathogenic, but additional data are needed to prove that conclusively. Therefore, this variant has been classified as Likely Pathogenic.

Literature cited by the submitters: PubMed 16199547; PubMed 10443880; PubMed 22488715; PubMed 24027061; PubMed 36964972.